The following is an entry in ClinVar:

NM_006231.4(POLE):c.1037G>C (p.Arg346Thr)

Gene: POLE (DNA polymerase epsilon, catalytic subunit; minus strand). Cytogenetic location: 12q24.33.
Variant type: single nucleotide variant.
Coding change: c.1037G>C on transcript NM_006231.4 (MANE Select); coding-DNA position 1037, G replaced by C.
Protein change: p.Arg346Thr; replaces arginine 346 with threonine.
Molecular consequence: missense variant.
Genome position (GRCh38, 1-based): chr12:132,675,804, C>G on the plus strand (G>C on the coding strand, the complement: POLE is on the minus strand). VCF-style: chr12-132675804-C-G. GRCh37 (hg19) VCF-style: chr12-133252390-C-G.
Other names: short protein forms R346T.
Identifiers: ClinVar variation 822060 (VCV000822060.5), dbSNP rs1565975676, ClinGen allele CA387361799.

ClinVar aggregate classification (germline): Uncertain significance (1 of 4 stars; one submission).

Conditions:
Hereditary cancer-predisposing syndrome. Also called: Tumor predisposition; Neoplastic Syndromes, Hereditary; Hereditary Cancer Syndrome; Hereditary neoplastic syndrome. Identifiers: Orphanet 140162, MedGen C0027672, MeSH D009386, MONDO:0015356.

Submission:

Ambry Genetics
Classification: Uncertain significance for Hereditary cancer-predisposing syndrome. Last evaluated: 2026-01-14. Review status: criteria provided, single submitter. Criteria: Ambry Variant Classification Scheme 2023. Collection method: clinical testing. Allele origin: germline.
Comment: The p.R346T variant (also known as c.1037G>C), located in coding exon 11 of the POLE gene, results from a G to C substitution at nucleotide position 1037. The arginine at codon 346 is replaced by threonine, an amino acid with similar properties. This amino acid position is highly conserved in available vertebrate species. In addition, the in silico prediction for this alteration is inconclusive. Based on the available evidence, the clinical significance of this variant remains unclear.